The following is an entry in ClinVar:

NM_000179.3(MSH6):c.4082_*11del (p.Ter1361LeuextTer?)

Gene: MSH6 (mutS homolog 6; plus strand). Cytogenetic location: 2p16.3.
Variant type: Deletion.
Coding change: c.4082_*11del on transcript NM_000179.3 (MANE Select); coding-DNA position 4082 through 11 bases downstream of the stop codon, 13 bases deleted (AGACTGACTACAT).
Protein change: p.Ter1361LeuextTer?.
Molecular consequence: frameshift variant, stop lost.
Genome position (GRCh38, 1-based): chr2:47,806,859-47,806,871, AGACTGACTACAT deleted; deleting any 13 consecutive bases within chr2:47,806,857-47,806,871 gives the same sequence; the c. name uses the placement nearest the transcript's 3' end. VCF-style (leftmost placement, unchanged base first): chr2-47806856-TATAGACTGACTAC-T. GRCh37 (hg19) VCF-style: chr2-48033995-TATAGACTGACTAC-T.
Other names: c.3692_*11del, p.Ter1231LeuextTer? (NM_001281492.2); c.3176_*11del, p.Ter1059LeuextTer? (NM_001281493.2, NM_001281494.2); c.4082_*11delAGACTGACTACAT (NM_000179.2).
Identifiers: ClinVar variation 419751 (VCV000419751.16), dbSNP rs1064794082, ClinGen allele CA16617729.

ClinVar aggregate classification (germline): Uncertain significance. Review status: criteria provided, multiple submitters, no conflicts (2 of 4 stars). 4 submissions from 4 submitters: Uncertain significance (4). Last evaluated 2025-06-29.

Conditions:
Hereditary nonpolyposis colorectal neoplasms. Identifiers: MedGen C0009405, MeSH D003123.
Hereditary cancer-predisposing syndrome. Also called: Hereditary neoplastic syndrome; Tumor predisposition; Neoplastic Syndromes, Hereditary; Hereditary Cancer Syndrome. Identifiers: Orphanet 140162, MedGen C0027672, MeSH D009386, MONDO:0015356.
Endometrial carcinoma. Also called: Endometrial carcinoma, somatic. Identifiers: MedGen C0476089, MONDO:0002447, OMIM 608089, HP:0012114.

Submissions (4):

Labcorp Genetics (formerly Invitae), Labcorp
Classification: Uncertain significance for Hereditary nonpolyposis colorectal neoplasms. Last evaluated: 2025-06-29. Review status: criteria provided, single submitter. Criteria: Invitae Variant Classification Sherloc (09022015). Collection method: clinical testing. Allele origin: germline.
Comment: This sequence change disrupts the translational stop signal of the MSH6 mRNA. It is expected to extend the length of the MSH6 protein by 5 additional amino acid residues. This variant is not present in population databases (gnomAD no frequency). This variant has not been reported in the literature in individuals affected with MSH6-related conditions. ClinVar contains an entry for this variant (Variation ID: 419751). Experimental studies and prediction algorithms are not available or were not evaluated, and the functional significance of this variant is currently unknown. In summary, the available evidence is currently insufficient to determine the role of this variant in disease. Therefore, it has been classified as a Variant of Uncertain Significance.

GeneDx
Classification: Uncertain significance. Last evaluated: 2024-04-01. Review status: criteria provided, single submitter. Criteria: GeneDx Variant Classification Process June 2021. Collection method: clinical testing. Allele origin: germline. Affected: yes.
Comment: Stop codon changed to a leucine codon, leading to the addition of 5 amino acids at the C-terminus; Has not been previously published as pathogenic or benign to our knowledge; Not observed at significant frequency in large population cohorts (gnomAD); This variant is associated with the following publications: (PMID: 12019211, 17531815, 21120944)

Baylor Genetics
Classification: Uncertain significance for Endometrial carcinoma. Last evaluated: 2023-12-05. Review status: criteria provided, single submitter. Criteria: ACMG Guidelines, 2015. Collection method: clinical testing. Allele origin: unknown.

Color Diagnostics, LLC DBA Color Health
Classification: Uncertain significance for Hereditary cancer-predisposing syndrome. Last evaluated: 2018-12-23. Review status: criteria provided, single submitter. Criteria: ACMG Guidelines, 2015. Collection method: clinical testing. Allele origin: germline.